The following is an entry in ClinVar:

ClinVar aggregate classification (germline): Uncertain significance (1 of 4 stars; one submission).

gnomAD v4.1: 1 of 1,597,192 alleles (0.000063%); highest among the groups gnomAD compares: Non-Finnish European, 0.000085%; no homozygotes.

Submission:

GeneDx
Classification: Uncertain significance. Last evaluated: 2026-03-28. Review status: criteria provided, single submitter. Criteria: GeneDx Variant Classification Process June 2021. Collection method: clinical testing. Allele origin: germline.
Comment: Not observed at significant frequency in large population cohorts (gnomAD); In silico analysis suggests that this missense variant does not alter protein structure/function; Has not been previously published as pathogenic or benign to our knowledge

NM_003108.4(SOX11):c.1003T>C (p.Ser335Pro)

Gene: SOX11 (SRY-box transcription factor 11; plus strand). Cytogenetic location: 2p25.2.
Variant type: single nucleotide variant.
Coding change: c.1003T>C on transcript NM_003108.4 (MANE Select); coding-DNA position 1003, T replaced by C.
Protein change: p.Ser335Pro; replaces serine 335 with proline.
Molecular consequence: missense variant.
Genome position (GRCh38, 1-based): chr2:5,693,724, T>C. VCF-style: chr2-5693724-T-C. GRCh37 (hg19) VCF-style: chr2-5833856-T-C.
Other names: short protein forms S335P.
Identifiers: ClinVar variation 5017738 (VCV005017738.1).